The following is an entry in ClinVar:

NM_001365999.1(SZT2):c.1882G>C (p.Val628Leu)

Gene: SZT2 (SZT2 subunit of KICSTOR complex; plus strand). Cytogenetic location: 1p34.2.
Variant type: single nucleotide variant.
Coding change: c.1882G>C on transcript NM_001365999.1 (MANE Select); coding-DNA position 1882, G replaced by C.
Protein change: p.Val628Leu; replaces valine 628 with leucine.
Molecular consequence: missense variant.
Genome position (GRCh38, 1-based): chr1:43,422,592, G>C. VCF-style: chr1-43422592-G-C. GRCh37 (hg19) VCF-style: chr1-43888263-G-C.
Other names: c.1882G>C, p.Val628Leu (NM_015284.4); short protein forms V628L.
Identifiers: ClinVar variation 2711928 (VCV002711928.3), dbSNP rs758011949, ClinGen allele CA340010290.

ClinVar aggregate classification (germline): Uncertain significance (1 of 4 stars; one submission).

gnomAD v4.1: 1 of 1,597,874 alleles (0.000063%); highest among the groups gnomAD compares: Non-Finnish European, 0.000085%; no homozygotes.

Submission:

Labcorp Genetics (formerly Invitae), Labcorp
Classification: Uncertain significance. Last evaluated: 2023-10-13. Review status: criteria provided, single submitter. Criteria: Invitae Variant Classification Sherloc (09022015). Collection method: clinical testing. Allele origin: germline.
Comment: This sequence change replaces valine, which is neutral and non-polar, with leucine, which is neutral and non-polar, at codon 628 of the SZT2 protein (p.Val628Leu). This variant is not present in population databases (gnomAD no frequency). This variant has not been reported in the literature in individuals affected with SZT2-related conditions. Advanced modeling of protein sequence and biophysical properties (such as structural, functional, and spatial information, amino acid conservation, physicochemical variation, residue mobility, and thermodynamic stability) has been performed at Invitae for this missense variant, however the output from this modeling did not meet the statistical confidence thresholds required to predict the impact of this variant on SZT2 protein function. In summary, the available evidence is currently insufficient to determine the role of this variant in disease. Therefore, it has been classified as a Variant of Uncertain Significance.